The following is an entry in ClinVar:

ClinVar aggregate classification (germline): Conflicting classifications of pathogenicity. Review status: criteria provided, conflicting classifications (1 of 4 stars). 5 submissions from 5 submitters: Uncertain significance (1); Likely benign (2). 2 of the submissions do not count toward it. Last evaluated 2026-01-19.

Conditions:
BIVM-ERCC5-related disorder. Also called: BIVM-ERCC5-related condition.
Hereditary cancer-predisposing syndrome. Also called: Tumor predisposition; Hereditary neoplastic syndrome; Neoplastic Syndromes, Hereditary; Hereditary Cancer Syndrome. Identifiers: Orphanet 140162, MedGen C0027672, MeSH D009386, MONDO:0015356.
Xeroderma pigmentosum, group G (XPG). Also called: ERCC5-Related Xeroderma Pigmentosum; XP, GROUP G; Xeroderma pigmentosum type 7; XERODERMA PIGMENTOSUM VII. Identifiers: MedGen C0268141, MONDO:0010216, OMIM 278780.

Allele frequency attached by ClinVar (database versions not stated): gnomAD exomes 0.00007 and 0.00019; ExAC 0.00027; 1000 Genomes Project 30x 0.00031; 1000 Genomes Project 0.00040; gnomAD 0.00078 and 0.00089; TOPMed 0.00080; ESP Exome Variant Server 0.00108.
gnomAD v4.1: 233 of 1,614,154 alleles (0.014%); highest among the groups gnomAD compares: African/African-American, 0.28%; 2 homozygotes.

Submissions (5):

Labcorp Genetics (formerly Invitae), Labcorp
Classification: Likely benign. Last evaluated: 2026-01-19. Review status: criteria provided, single submitter. Criteria: Invitae Variant Classification Sherloc (09022015). Collection method: clinical testing. Allele origin: germline.

Sema4
Classification: Likely benign for Hereditary cancer-predisposing syndrome. Last evaluated: 2022-02-24. Review status: criteria provided, single submitter. Criteria: Sema4 Curation Guidelines. Collection method: curation. Allele origin: germline.

Illumina Laboratory Services, Illumina
Classification: Uncertain significance for Xeroderma pigmentosum, group G. Last evaluated: 2018-01-12. Review status: criteria provided, single submitter. Criteria: ICSL Variant Classification Criteria 13 December 2019. Collection method: clinical testing. Allele origin: germline.

PreventionGenetics, part of Exact Sciences
Classification: Likely benign for BIVM-ERCC5-related condition. Last evaluated: 2022-04-19. Review status: no assertion criteria provided. Collection method: clinical testing. Allele origin: germline. Not counted in ClinVar's aggregate classification.
Comment: This variant is classified as likely benign based on ACMG/AMP sequence variant interpretation guidelines (Richards et al. 2015 PMID: 25741868, with internal and published modifications).

ITMI
No classification provided. Condition: AllHighlyPenetrant. Last evaluated: 2013-09-19. Review status: no classification provided. Collection method: reference population. Allele origin: germline. Not counted in ClinVar's aggregate classification.
Comment: Please see associated publication for description of ethnicities

Literature cited by the submitters: PubMed 24728327 (cited by ITMI).

NM_000123.4(ERCC5):c.3427G>A (p.Ala1143Thr)

Genes: BIVM-ERCC5 (BIVM-ERCC5 readthrough; plus strand), ERCC5 (ERCC excision repair 5, endonuclease; plus strand). Cytogenetic location: 13q33.1.
Variant type: single nucleotide variant.
Coding change: c.3427G>A on transcript NM_000123.4 (MANE Select); coding-DNA position 3427, G replaced by A.
Protein change: p.Ala1143Thr; replaces alanine 1143 with threonine.
Molecular consequence: missense variant.
Genome position (GRCh38, 1-based): chr13:102,875,769, G>A. VCF-style: chr13-102875769-G-A. GRCh37 (hg19) VCF-style: chr13-103528119-G-A.
Other names: c.4789G>A, p.Ala1597Thr (NM_001204425.2); short protein forms A1143T, A1597T.
Identifiers: ClinVar variation 134174 (VCV000134174.16), dbSNP rs55798001, ClinGen allele CA158998.